The following is an entry in ClinVar:

NM_001267550.2(TTN):c.91267G>A (p.Val30423Ile)

Genes: TTN (titin; minus strand), TTN-AS1 (TTN antisense RNA 1; plus strand). Cytogenetic location: 2q31.2.
Variant type: single nucleotide variant.
Coding change: c.91267G>A on transcript NM_001267550.2 (MANE Select); coding-DNA position 91267, G replaced by A.
Protein change: p.Val30423Ile; replaces valine 30423 with isoleucine.
Molecular consequence: missense variant.
Genome position (GRCh38, 1-based): chr2:178,551,633, C>T on the plus strand (G>A on the coding strand, the complement: TTN is on the minus strand). VCF-style: chr2-178551633-C-T. GRCh37 (hg19) VCF-style: chr2-179416360-C-T.
Other names: c.86344G>A, p.Val28782Ile (NM_001256850.1); c.64072G>A, p.Val21358Ile (NM_003319.4); c.83563G>A, p.Val27855Ile (NM_133378.4); c.64447G>A, p.Val21483Ile (NM_133432.3); c.64648G>A, p.Val21550Ile (NM_133437.4); short protein forms V21358I, V21483I, V21550I, V27855I, V28782I, V30423I.
Identifiers: ClinVar variation 2573341 (VCV002573341.2), dbSNP rs1699485019, ClinGen allele CA349502548.

ClinVar aggregate classification (germline): Likely benign. Review status: criteria provided, multiple submitters, no conflicts (2 of 4 stars). 2 submissions from 2 submitters: Likely benign (2). Last evaluated 2023-06-12.

Allele frequency attached by ClinVar (database versions not stated): TOPMed below 0.00001.
gnomAD v4.1: 15 of 1,573,276 alleles (0.00095%); highest among the groups gnomAD compares: East Asian, 0.034%; no homozygotes.

Submissions (2):

Women's Health and Genetics/Laboratory Corporation of America, LabCorp
Classification: Likely benign. Last evaluated: 2023-06-12. Review status: criteria provided, single submitter. Criteria: LabCorp Variant Classification Summary - May 2015. Collection method: clinical testing. Allele origin: germline.
Comment: Variant summary: TTN c.83563G>A (p.Val27855Ile) results in a conservative amino acid change located in the A-band region of the encoded protein sequence. Two of four in-silico tools predict a benign effect of the variant on protein function. The variant allele was found at a frequency of 0.00014 in 303868 control chromosomes, predominantly at a frequency of 0.00057 (i.e., 44 heterozygotes) within the Japanese subpopulation (gnomAD and jMorp databases; Tadaka_2021). The observed variant frequency is approximately 1.5 fold of the estimated maximal expected allele frequency for a pathogenic variant in TTN causing Dilated Cardiomyopathy phenotype (0.00039), strongly suggesting that the variant is a benign polymorphism found primarily in populations of Japanese origin. To our knowledge, no occurrence of c.83563G>A in individuals affected with Dilated Cardiomyopathy and no experimental evidence demonstrating its impact on protein function have been reported. No clinical diagnostic laboratories have submitted clinical-significance assessments for this variant to ClinVar after 2014. Based on the evidence outlined above, the variant was classified as likely benign.

Blueprint Genetics
Classification: Likely benign. Last evaluated: 2021-09-21. Review status: criteria provided, single submitter. Criteria: ACMG Guidelines, 2015. Collection method: clinical testing. Allele origin: germline.

Literature cited by the submitters: PubMed 33179747 (cited by Women's Health and Genetics/Laboratory Corporation of America, LabCorp).